The following is an entry in ClinVar:

NM_177402.5(SYT2):c.676A>G (p.Ile226Val)

Gene: SYT2 (synaptotagmin 2; minus strand). Cytogenetic location: 1q32.1.
Variant type: single nucleotide variant.
Coding change: c.676A>G on transcript NM_177402.5 (MANE Select); coding-DNA position 676, A replaced by G.
Protein change: p.Ile226Val; replaces isoleucine 226 with valine.
Molecular consequence: missense variant.
Genome position (GRCh38, 1-based): chr1:202,602,015, T>C on the plus strand (A>G on the coding strand, the complement: SYT2 is on the minus strand). VCF-style: chr1-202602015-T-C. GRCh37 (hg19) VCF-style: chr1-202571143-T-C.
Other names: p.Ile226Val; c.676A>G, p.Ile226Val (NM_001136504.1); short protein forms I226V.
Identifiers: ClinVar variation 1915775 (VCV001915775.6), dbSNP rs758613453, ClinGen allele CA1333711.
Genomic context (GRCh38, chr1:202,602,015, plus strand): 5'-TCATAGGCACCTTTACCTCTCCAATGATGTCATGTTTGGAGAAGCGGTCAAAGTCATAGA[T>C]GGCCATCACCAGAGTTTTGCCCCCAAGCTCCTGGTATGGCACCTGCAGGGCACAAGCAGA-3'
Protein context (NP_796376.2, residues 216-236): ELGGKTLVMA[Ile226Val]YDFDRFSKHD

ClinVar aggregate classification (germline): Uncertain significance. Review status: criteria provided, multiple submitters, no conflicts (2 of 4 stars). 2 submissions from 2 submitters: Uncertain significance (2). Last evaluated 2025-01-13.

Allele frequency attached by ClinVar (database versions not stated): ExAC 0.00001; gnomAD 0.00001; TOPMed 0.00002.
gnomAD v4.1: 39 of 1,614,056 alleles (0.0024%); highest among the groups gnomAD compares: Non-Finnish European, 0.0032%; no homozygotes.

Submissions (2):

Labcorp Genetics (formerly Invitae), Labcorp
Classification: Uncertain significance. Last evaluated: 2025-01-13. Review status: criteria provided, single submitter. Criteria: Invitae Variant Classification Sherloc (09022015). Collection method: clinical testing. Allele origin: germline.
Comment: This sequence change replaces isoleucine, which is neutral and non-polar, with valine, which is neutral and non-polar, at codon 226 of the SYT2 protein (p.Ile226Val). This variant is present in population databases (rs758613453, gnomAD 0.004%). This variant has not been reported in the literature in individuals affected with SYT2-related conditions. ClinVar contains an entry for this variant (Variation ID: 1915775). Invitae Evidence Modeling of protein sequence and biophysical properties (such as structural, functional, and spatial information, amino acid conservation, physicochemical variation, residue mobility, and thermodynamic stability) indicates that this missense variant is not expected to disrupt SYT2 protein function with a negative predictive value of 80%. In summary, the available evidence is currently insufficient to determine the role of this variant in disease. Therefore, it has been classified as a Variant of Uncertain Significance.

Mayo Clinic Laboratories, Mayo Clinic
Classification: Uncertain significance. Last evaluated: 2024-08-09. Review status: criteria provided, single submitter. Criteria: ACMG Guidelines, 2015. Collection method: clinical testing. Allele origin: germline. Observed: 1 variant allele.
Comment: BP4